The following is an entry in ClinVar:

NM_022821.4(ELOVL1):c.202T>G (p.Ser68Ala)

Gene: ELOVL1 (ELOVL fatty acid elongase 1; minus strand). Cytogenetic location: 1p34.2.
Variant type: single nucleotide variant.
Coding change: c.202T>G on transcript NM_022821.4 (MANE Select); coding-DNA position 202, T replaced by G.
Protein change: p.Ser68Ala; replaces serine 68 with alanine.
Molecular consequence: missense variant. On other transcripts: non-coding transcript variant (1), intron variant (1).
Genome position (GRCh38, 1-based): chr1:43,365,221, A>C on the plus strand (T>G on the coding strand, the complement: ELOVL1 is on the minus strand). VCF-style: chr1-43365221-A-C. GRCh37 (hg19) VCF-style: chr1-43830892-A-C.
Other names: c.202T>G, p.Ser68Ala (NM_001256399.2, NM_001256401.2); c.-6-213T>G (NM_001256402.2); short protein forms S68A.
Identifiers: ClinVar variation 2461216 (VCV002461216.5), dbSNP rs769038287, ClinGen allele CA807681.

ClinVar aggregate classification (germline): Uncertain significance. Review status: criteria provided, multiple submitters, no conflicts (2 of 4 stars). 2 submissions from 2 submitters: Uncertain significance (2). Last evaluated 2025-11-26.

Allele frequency attached by ClinVar (database versions not stated): ExAC 0.00001; gnomAD 0.00002; gnomAD exomes 0.00002; TOPMed 0.00009.

Submissions (2):

Ambry Genetics
Classification: Uncertain significance. Last evaluated: 2025-11-26. Review status: criteria provided, single submitter. Criteria: Ambry Variant Classification Scheme 2023. Collection method: clinical testing. Allele origin: germline.

Labcorp Genetics (formerly Invitae), Labcorp
Classification: Uncertain significance. Last evaluated: 2025-07-24. Review status: criteria provided, single submitter. Criteria: Invitae Variant Classification Sherloc (09022015). Collection method: clinical testing. Allele origin: germline.
Comment: This sequence change replaces serine, which is neutral and polar, with alanine, which is neutral and non-polar, at codon 68 of the ELOVL1 protein (p.Ser68Ala). This variant is present in population databases (rs769038287, gnomAD 0.03%). This variant has not been reported in the literature in individuals affected with ELOVL1-related conditions. ClinVar contains an entry for this variant (Variation ID: 2461216). Invitae Evidence Modeling of protein sequence and biophysical properties (such as structural, functional, and spatial information, amino acid conservation, physicochemical variation, residue mobility, and thermodynamic stability) indicates that this missense variant is not expected to disrupt ELOVL1 protein function with a negative predictive value of 80%. In summary, the available evidence is currently insufficient to determine the role of this variant in disease. Therefore, it has been classified as a Variant of Uncertain Significance.